The following is an entry in ClinVar:

NM_020686.6(ABAT):c.168+3G>A

Gene: ABAT (4-aminobutyrate aminotransferase; plus strand). Cytogenetic location: 16p13.2.
Variant type: single nucleotide variant.
Coding change: c.168+3G>A on transcript NM_020686.6 (MANE Select); 3 bases into the intron after coding-DNA position 168, G replaced by A.
Molecular consequence: intron variant.
Genome position (GRCh38, 1-based): chr16:8,746,101, G>A. VCF-style: chr16-8746101-G-A. GRCh37 (hg19) VCF-style: chr16-8839958-G-A.
Other names: c.168+3G>A (NM_001386602.1, NM_001386615.1, NM_001386609.1 and 11 more transcripts); c.71-2007G>A (NM_001386610.1); c.70+10292G>A (NM_001386614.1); c.33+3G>A (NM_001386611.1, NM_001386612.1, NM_001386613.1).
Identifiers: ClinVar variation 933448 (VCV000933448.8), dbSNP rs1294985666, ClinGen allele CA620741939.

ClinVar aggregate classification (germline): Uncertain significance (1 of 4 stars; one submission).

Conditions:
Gamma-aminobutyric acid transaminase deficiency (GABATD). Also called: GABA aminotransaminase deficiency; GABA transaminase deficiency; Gamma aminobutyrate transaminase deficiency; 4 alpha aminobutyrate transaminase deficiency. Identifiers: Orphanet 2066, MedGen C0342708, MONDO:0013166, OMIM 613163.

Allele frequency attached by ClinVar (database versions not stated): gnomAD exomes 0.00001; TOPMed 0.00001.
gnomAD v4.1: 11 of 1,610,708 alleles (0.00068%); highest among the groups gnomAD compares: Non-Finnish European, 0.00093%; no homozygotes.

Submission:

Labcorp Genetics (formerly Invitae), Labcorp
Classification: Uncertain significance for Gamma-aminobutyric acid transaminase deficiency. Last evaluated: 2020-02-19. Review status: criteria provided, single submitter. Criteria: Invitae Variant Classification Sherloc (09022015). Collection method: clinical testing. Allele origin: germline.
Comment: In summary, the available evidence is currently insufficient to determine the role of this variant in disease. Therefore, it has been classified as a Variant of Uncertain Significance. Nucleotide substitutions within the consensus splice site are a relatively common cause of aberrant splicing (PMID: 17576681, 9536098). Algorithms developed to predict the effect of sequence changes on RNA splicing suggest that this variant is not likely to affect RNA splicing, but this prediction has not been confirmed by published transcriptional studies. This variant has not been reported in the literature in individuals with ABAT-related conditions. This variant is not present in population databases (ExAC no frequency). This sequence change falls in intron 3 of the ABAT gene. It does not directly change the encoded amino acid sequence of the ABAT protein, but it affects a nucleotide within the consensus splice site of the intron.

Literature cited by the submitters: PubMed 17576681; PubMed 9536098.